The following is an entry in ClinVar:

NM_000117.3(EMD):c.495G>A (p.Thr165=)

Gene: EMD (emerin; plus strand). Cytogenetic location: Xq28.
Variant type: single nucleotide variant.
Coding change: c.495G>A on transcript NM_000117.3 (MANE Select); coding-DNA position 495, G replaced by A.
Protein change: p.Thr165=; no amino-acid change (threonine 165 retained).
Molecular consequence: synonymous variant.
Genome position (GRCh38, 1-based): chrX:154,380,927, G>A. VCF-style: chrX-154380927-G-A. GRCh37 (hg19) VCF-style: chrX-153609287-G-A.
Other names: p.Thr165=.
Identifiers: ClinVar variation 42276 (VCV000042276.37), dbSNP rs151074632, ClinGen allele CA131130.

ClinVar aggregate classification (germline): Benign/Likely benign. Review status: criteria provided, multiple submitters, no conflicts (2 of 4 stars). 19 submissions from 19 submitters: Benign (2); Likely benign (9). 8 of the submissions do not count toward it. Last evaluated 2026-02-03.

Conditions:
Emery-Dreifuss muscular dystrophy 1, X-linked (EDMD1). Also called: SCAPULOPERONEAL SYNDROME, X-LINKED; HUMEROPERONEAL NEUROMUSCULAR DISEASE; Muscular dystrophy, tardive, Dreifuss-Emery type, with contractures; EMD-Related Emery-Dreifuss Muscular Dystrophy, X-Linked. Identifiers: MedGen CN375556, MONDO:0100531, OMIM 310300.
EMD-related disorder. Also called: EMD-related condition.
Cardiovascular phenotype. Identifiers: MedGen CN230736.
Emery-Dreifuss muscular dystrophy (EDMD). Also called: Scapuloperoneal syndrome, X-linked (formerly); Humeroperoneal neuromuscular disease, (formerly). Identifiers: Orphanet 261, MedGen C0410189, MONDO:0016830.
X-linked Emery-Dreifuss muscular dystrophy. Also called: Muscular dystrophy, tardive Emery-Dreifuss type, with contractures. Identifiers: Orphanet 261, Orphanet 98863, MedGen C0751337, MONDO:0010680.

Allele frequency attached by ClinVar (database versions not stated): 1000 Genomes Project 30x 0.00021; 1000 Genomes Project 0.00026; ExAC 0.00053; TOPMed 0.00065; gnomAD 0.00075; ESP Exome Variant Server 0.00095.

Submissions (19):

Labcorp Genetics (formerly Invitae), Labcorp
Classification: Likely benign for X-linked Emery-Dreifuss muscular dystrophy. Last evaluated: 2026-02-03. Review status: criteria provided, single submitter. Criteria: Invitae Variant Classification Sherloc (09022015). Collection method: clinical testing. Allele origin: germline.

Molecular Diagnostic Laboratory for Inherited Cardiovascular Disease, Montreal Heart Institute
Classification: Likely benign. Last evaluated: 2025-04-09. Review status: criteria provided, single submitter. Criteria: ACMG Guidelines, 2015. Collection method: clinical testing. Allele origin: germline. Affected: no.

Laboratory of Genetics, Children's Clinical University Hospital Latvia
Classification: Likely benign. Last evaluated: 2025-02-16. Review status: criteria provided, single submitter. Criteria: ACMG Guidelines, 2015. Collection method: clinical testing. Allele origin: germline. Affected: yes.

ARUP Laboratories, Molecular Genetics and Genomics, ARUP Laboratories
Classification: Likely benign for Emery-Dreifuss muscular dystrophy 1, X-linked. Last evaluated: 2024-12-24. Review status: criteria provided, single submitter. Criteria: ARUP Molecular Germline Variant Investigation Process 2024. Collection method: clinical testing. Allele origin: germline.

Blueprint Genetics
Classification: Likely benign. Last evaluated: 2024-11-13. Review status: criteria provided, single submitter. Criteria: ACMG Guidelines, 2015. Collection method: clinical testing. Allele origin: germline.

Mayo Clinic Laboratories, Mayo Clinic
Classification: Benign. Last evaluated: 2023-07-25. Review status: criteria provided, single submitter. Criteria: ACMG Guidelines, 2015. Collection method: clinical testing. Allele origin: germline. Observed: 2 variant alleles.
Comment: BS1, BS2, BP4, BP7

Women's Health and Genetics/Laboratory Corporation of America, LabCorp
Classification: Likely benign. Last evaluated: 2021-08-21. Review status: criteria provided, single submitter. Criteria: LabCorp Variant Classification Summary - May 2015. Collection method: clinical testing. Allele origin: germline.

GeneDx
Classification: Benign. Last evaluated: 2021-03-02. Review status: criteria provided, single submitter. Criteria: GeneDx Variant Classification Process June 2021. Collection method: clinical testing. Allele origin: germline. Affected: yes.
Comment: This variant is associated with the following publications: (PMID: 24503780)

Ambry Genetics
Classification: Likely benign for Cardiovascular phenotype. Last evaluated: 2017-09-08. Review status: criteria provided, single submitter. Criteria: Ambry Variant Classification Scheme 2023. Collection method: clinical testing. Allele origin: germline.

Eurofins Ntd Llc (ga)
Classification: Likely benign. Last evaluated: 2017-08-25. Review status: criteria provided, single submitter. Criteria: EGL Classification Definitions 2015. Collection method: clinical testing. Allele origin: germline. Observed: 4 variant alleles, 3 heterozygotes, 1 hemizygote.

Laboratory for Molecular Medicine, Mass General Brigham Personalized Medicine
Classification: Likely benign. Last evaluated: 2012-03-06. Review status: criteria provided, single submitter. Criteria: LMM Criteria. Collection method: clinical testing. Allele origin: germline. Observed: 5 variant alleles.
Comment: Thr165Thr in exon 6 of EMD: This variant is not expected to have clinical signif icance because it does not alter an amino acid residue and is not located within the splice consensus sequence. This variant has been identified in 0.1% (8/5545 ) of European American chromosomes from a broad population by the NHLBI Exome Se quencing Project (dbSNP rs151074632). Thr165T hr in exon 6 of EMD (rs151074632; allele frequency = 0.1%, 8/5545) **

Natera, Inc.
Classification: Likely benign for Emery-Dreifuss muscular dystrophy. Last evaluated: 2020-04-12. Review status: no assertion criteria provided. Collection method: clinical testing. Allele origin: germline. Not counted in ClinVar's aggregate classification.

PreventionGenetics, part of Exact Sciences
Classification: Likely benign for EMD-related condition. Last evaluated: 2019-10-25. Review status: no assertion criteria provided. Collection method: clinical testing. Allele origin: germline. Not counted in ClinVar's aggregate classification.
Comment: This variant is classified as likely benign based on ACMG/AMP sequence variant interpretation guidelines (Richards et al. 2015 PMID: 25741868, with internal and published modifications).

Clinical Genetics DNA and cytogenetics Diagnostics Lab, Erasmus MC, Erasmus Medical Center
Classification: Likely benign. Review status: no assertion criteria provided. Collection method: clinical testing. Allele origin: germline. Affected: yes. Study: VKGL Data-share Consensus. Not counted in ClinVar's aggregate classification.

Clinical Genetics, Academic Medical Center
Classification: Benign. Review status: no assertion criteria provided. Collection method: clinical testing. Allele origin: germline. Affected: yes. Study: VKGL Data-share Consensus. Not counted in ClinVar's aggregate classification.

Diagnostic Laboratory, Department of Genetics, University Medical Center Groningen
Classification: Likely benign for Emery-Dreifuss muscular dystrophy 1, X-linked. Review status: no assertion criteria provided. Collection method: clinical testing. Allele origin: germline. Affected: yes. Study: VKGL Data-share Consensus. Not counted in ClinVar's aggregate classification.

Genome Diagnostics Laboratory, University Medical Center Utrecht
Classification: Likely benign. Review status: no assertion criteria provided. Collection method: clinical testing. Allele origin: germline. Affected: yes. Study: VKGL Data-share Consensus. Not counted in ClinVar's aggregate classification.

Joint Genome Diagnostic Labs from Nijmegen and Maastricht, Radboudumc and MUMC+
Classification: Likely benign. Review status: no assertion criteria provided. Collection method: clinical testing. Allele origin: germline. Affected: yes. Study: VKGL Data-share Consensus. Not counted in ClinVar's aggregate classification.

Laboratory of Diagnostic Genome Analysis, Leiden University Medical Center (LUMC)
Classification: Likely benign. Review status: no assertion criteria provided. Collection method: clinical testing. Allele origin: germline. Affected: yes. Study: VKGL Data-share Consensus. Not counted in ClinVar's aggregate classification.